The following is an entry in ClinVar:

ClinVar aggregate classification (germline): Uncertain significance (1 of 4 stars; one submission).

Submission:

GeneDx
Classification: Uncertain significance. Last evaluated: 2026-03-03. Review status: criteria provided, single submitter. Criteria: GeneDx Variant Classification Process June 2021. Collection method: clinical testing. Allele origin: germline.
Comment: Not observed at significant frequency in large population cohorts (gnomAD); In silico analysis supports that this missense variant has a deleterious effect on protein structure/function; Has not been previously published as pathogenic or benign to our knowledge

NM_001134363.3(RBM20):c.3575A>T (p.Lys1192Ile)

Gene: RBM20 (RNA binding motif protein 20; plus strand). Cytogenetic location: 10q25.2.
Variant type: single nucleotide variant.
Coding change: c.3575A>T on transcript NM_001134363.3 (MANE Select); coding-DNA position 3575, A replaced by T.
Protein change: p.Lys1192Ile; replaces lysine 1192 with isoleucine.
Molecular consequence: missense variant.
Genome position (GRCh38, 1-based): chr10:110,835,869, A>T. VCF-style: chr10-110835869-A-T. GRCh37 (hg19) VCF-style: chr10-112595627-A-T.
Other names: short protein forms K1192I.
Identifiers: ClinVar variation 4891360 (VCV004891360.1).